The following is an entry in ClinVar:

NM_002878.4(RAD51D):c.50T>C (p.Ile17Thr)

Genes: RAD51D (RAD51 paralog D; minus strand), RAD51L3-RFFL (RAD51L3-RFFL readthrough; minus strand). Cytogenetic location: 17q12.
Variant type: single nucleotide variant.
Coding change: c.50T>C on transcript NM_002878.4 (MANE Select); coding-DNA position 50, T replaced by C.
Protein change: p.Ile17Thr; replaces isoleucine 17 with threonine.
Molecular consequence: missense variant. On other transcripts: non-coding transcript variant (2).
Genome position (GRCh38, 1-based): chr17:35,119,564, A>G on the plus strand (T>C on the coding strand, the complement: RAD51D is on the minus strand). VCF-style: chr17-35119564-A-G. GRCh37 (hg19) VCF-style: chr17-33446583-A-G.
Other names: c.50T>C, p.Ile17Thr (NM_001142571.2, NM_133629.3); short protein forms I17T.
Identifiers: ClinVar variation 1745347 (VCV001745347.7), dbSNP rs1464129449, ClinGen allele CA399092408.

ClinVar aggregate classification (germline): Uncertain significance. Review status: criteria provided, multiple submitters, no conflicts (2 of 4 stars). 2 submissions from 2 submitters: Uncertain significance (2). Last evaluated 2022-08-17.

Conditions:
Hereditary cancer-predisposing syndrome. Also called: Hereditary Cancer Syndrome; Neoplastic Syndromes, Hereditary; Tumor predisposition; Hereditary neoplastic syndrome. Identifiers: Orphanet 140162, MedGen C0027672, MeSH D009386, MONDO:0015356.
Breast-ovarian cancer, familial, susceptibility to, 4. Identifiers: Orphanet 145, MedGen C3280345, MONDO:0013669, OMIM 614291.

Allele frequency attached by ClinVar (database versions not stated): gnomAD exomes below 0.00001; gnomAD 0.00001.
gnomAD v4.1: 2 of 1,612,674 alleles (0.00012%); highest among the groups gnomAD compares: African/African-American, 0.0013%; no homozygotes.

Submissions (2):

Ambry Genetics
Classification: Uncertain significance for Hereditary cancer-predisposing syndrome. Last evaluated: 2022-08-17. Review status: criteria provided, single submitter. Criteria: Ambry Variant Classification Scheme 2023. Collection method: clinical testing. Allele origin: germline.
Comment: The p.I17T variant (also known as c.50T>C), located in coding exon 1 of the RAD51D gene, results from a T to C substitution at nucleotide position 50. The isoleucine at codon 17 is replaced by threonine, an amino acid with similar properties. This amino acid position is conserved. In addition, this alteration is predicted to be tolerated by in silico analysis. Since supporting evidence is limited at this time, the clinical significance of this alteration remains unclear.

Labcorp Genetics (formerly Invitae), Labcorp
Classification: Uncertain significance for Breast-ovarian cancer, familial, susceptibility to, 4. Last evaluated: 2022-07-29. Review status: criteria provided, single submitter. Criteria: Invitae Variant Classification Sherloc (09022015). Collection method: clinical testing. Allele origin: germline.
Comment: In summary, the available evidence is currently insufficient to determine the role of this variant in disease. Therefore, it has been classified as a Variant of Uncertain Significance. Algorithms developed to predict the effect of missense changes on protein structure and function are either unavailable or do not agree on the potential impact of this missense change (SIFT: "Deleterious"; PolyPhen-2: "Benign"; Align-GVGD: "Class C25"). This sequence change replaces isoleucine, which is neutral and non-polar, with threonine, which is neutral and polar, at codon 17 of the RAD51D protein (p.Ile17Thr). This variant is present in population databases (no rsID available, gnomAD 0.01%). This variant has not been reported in the literature in individuals affected with RAD51D-related conditions.